The following is an entry in ClinVar:

NM_001244008.2(KIF1A):c.812_817del (p.Ile271_Asn272del)

Gene: KIF1A (kinesin family member 1A; minus strand). Cytogenetic location: 2q37.3.
Variant type: Deletion.
Coding change: c.812_817del on transcript NM_001244008.2 (MANE Select); coding-DNA positions 812 to 817, 6 bases deleted (TCAACA; older notation c.812_817delTCAACA).
Protein change: p.Ile271_Asn272del.
Molecular consequence: inframe deletion. On other transcripts: inframe indel (1).
Genome position (GRCh38, 1-based): chr2:240,783,091-240,783,096, TGTTGA deleted on the plus strand (TCAACA on the coding strand, the reverse complement: KIF1A is on the minus strand); deleting any 6 consecutive bases within chr2:240,783,091-240,783,101 gives the same sequence; the c. name uses the placement nearest the transcript's 3' end. VCF-style (leftmost placement, unchanged base first): chr2-240783090-TTGTTGA-T. GRCh37 (hg19) VCF-style: chr2-241722507-TTGTTGA-T.
Other names: p.lle271_Asn272del; c.812_817del, p.Ile271_Asn272del (NM_001320705.2, NM_001330289.2, NM_001330290.2 and 20 more transcripts); c.807_812delCAACAT, p.Ile271_Asn272del (NM_001379654.1).
Identifiers: ClinVar variation 1711083 (VCV001711083.3), dbSNP rs2538258854, ClinGen allele CA2580068005.

ClinVar aggregate classification (germline): Pathogenic (1 of 4 stars; one submission).

Conditions:
Intellectual disability, autosomal dominant 9 (NESCAVS). Also called: NESCAV SYNDROME; KIF1A-Related Neurodevelopmental Disorder. Identifiers: Orphanet 662367, MedGen C5393830, MONDO:0013656, OMIM 614255.

Submission:

Foundation for Research in Genetics and Endocrinology, FRIGE's Institute of Human Genetics
Classification: Pathogenic for Intellectual disability, autosomal dominant 9. Last evaluated: 2022-04-20. Review status: criteria provided, single submitter. Criteria: ACMG Guidelines, 2015. Collection method: clinical testing. Allele origin: unknown. Inheritance: Autosomal dominant inheritance. Affected: yes. Observed: 1 heterozygote.
Comment: The heteroygous 6 base pair deletion in exon 9 of the KIF1A gene that results in an in_frame deletion of amino acids (p.lle271_Asn272del) was detected. this varient has not been reported in the 1000 genomes, gnomADab databases. the reference region is conserved across species